The following is an entry in ClinVar:

NM_001379500.1(COL18A1):c.3697G>A (p.Glu1233Lys)

Genes: COL18A1 (collagen type XVIII alpha 1 chain; plus strand), SLC19A1 (solute carrier family 19 member 1; minus strand). Cytogenetic location: 21q22.3.
Variant type: single nucleotide variant.
Coding change: c.3697G>A on transcript NM_001379500.1 (MANE Select); coding-DNA position 3697, G replaced by A.
Protein change: p.Glu1233Lys; replaces glutamic acid 1233 with lysine.
Molecular consequence: missense variant.
Genome position (GRCh38, 1-based): chr21:45,511,114, G>A. VCF-style: chr21-45511114-G-A. GRCh37 (hg19) VCF-style: chr21-46931028-G-A.
Other names: c.4228G>A, p.Glu1410Lys (NM_030582.4); c.4933G>A, p.Glu1645Lys (NM_130444.3); short protein forms E1233K, E1410K, E1645K.
Identifiers: ClinVar variation 1981443 (VCV001981443.3), dbSNP rs757492242, ClinGen allele CA10068051.

ClinVar aggregate classification (germline): Uncertain significance (1 of 4 stars; one submission).

Allele frequency attached by ClinVar (database versions not stated): ExAC 0.00003.
gnomAD v4.1: 14 of 1,554,284 alleles (0.0009%); highest among the groups gnomAD compares: East Asian, 0.0047%; no homozygotes.

Submission:

Labcorp Genetics (formerly Invitae), Labcorp
Classification: Uncertain significance. Last evaluated: 2022-06-19. Review status: criteria provided, single submitter. Criteria: Invitae Variant Classification Sherloc (09022015). Collection method: clinical testing. Allele origin: germline.
Comment: In summary, the available evidence is currently insufficient to determine the role of this variant in disease. Therefore, it has been classified as a Variant of Uncertain Significance. Experimental studies and prediction algorithms are not available or were not evaluated, and the functional significance of this variant is currently unknown. This variant has not been reported in the literature in individuals affected with COL18A1-related conditions. This variant is present in population databases (rs757492242, gnomAD 0.02%). This sequence change replaces glutamic acid, which is acidic and polar, with lysine, which is basic and polar, at codon 1230 of the COL18A1 protein (p.Glu1230Lys).